The following is an entry in ClinVar:

ClinVar aggregate classification (germline): Likely benign (1 of 4 stars; one submission).

Allele frequency attached by ClinVar (database versions not stated): ExAC 0.00003.

Submission:

CeGaT Center for Human Genetics Tuebingen
Classification: Likely benign. Last evaluated: 2023-05-01. Review status: criteria provided, single submitter. Criteria: CeGaT Center For Human Genetics Tuebingen Variant Classification Criteria Version 2. Collection method: clinical testing. Allele origin: germline. Affected: yes. Observed: 1 variant allele.
Comment: SLC6A17: BP4, BP7

NM_001010898.4(SLC6A17):c.414C>A (p.Arg138=)

Gene: SLC6A17 (solute carrier family 6 member 17; plus strand). Cytogenetic location: 1p13.3.
Variant type: single nucleotide variant.
Coding change: c.414C>A on transcript NM_001010898.4 (MANE Select); coding-DNA position 414, C replaced by A.
Protein change: p.Arg138=; no amino-acid change (arginine 138 retained).
Molecular consequence: synonymous variant.
Genome position (GRCh38, 1-based): chr1:110,172,187, C>A. VCF-style: chr1-110172187-C-A. GRCh37 (hg19) VCF-style: chr1-110714809-C-A.
Identifiers: ClinVar variation 2638987 (VCV002638987.24), dbSNP rs748444041, ClinGen allele CA997902.
Genomic context (GRCh38, chr1:110,172,187, plus strand): 5'-GGCTGTGGGTCAGAGGATCCGCCGCGGCAGCATCGGTGTGTGGCACTATATATGTCCCCG[C>A]CTGGGGGGCATCGGCTTCTCCAGCTGCATAGTGAGTCAAGGGCTGGGGCAGGCACTGAGT-3'
Protein context (NP_001010898.1, residues 128-148): SIGVWHYICP[Arg138=]LGGIGFSSCI